The following is an entry in ClinVar:

NM_001378454.1(ALMS1):c.1844C>G (p.Ser615Ter)

Gene: ALMS1 (ALMS1 centrosome and basal body associated protein; plus strand). Cytogenetic location: 2p13.1.
Variant type: single nucleotide variant.
Coding change: c.1844C>G on transcript NM_001378454.1 (MANE Select); coding-DNA position 1844, C replaced by G.
Protein change: p.Ser615Ter; replaces serine 615 with a stop codon.
Molecular consequence: nonsense.
Genome position (GRCh38, 1-based): chr2:73,448,371, C>G. VCF-style: chr2-73448371-C-G. GRCh37 (hg19) VCF-style: chr2-73675498-C-G.
Other names: c.1847C>G, p.Ser616Ter (NM_015120.4); short protein forms S616*, S615*.
Identifiers: ClinVar variation 1456038 (VCV001456038.7), dbSNP rs2103772444, ClinGen allele CA347265579.
Genomic context (GRCh38, chr2:73,448,371, plus strand): 5'-CTGAAGAGGCTTTGAAAGTTTCAGCTGCTCCTGGACTAGCTGACCAGACAACTGGCATGT[C>G]AACTCTAACCTCTACTTCCTACTCACATAGAGAGAAGCCTGGTACTTTTTACCAACAAGA-3'

ClinVar aggregate classification (germline): Pathogenic. Review status: criteria provided, multiple submitters, no conflicts (2 of 4 stars). 2 submissions from 2 submitters: Pathogenic (2). Last evaluated 2025-02-19.

Conditions:
Alstrom syndrome (ALMS). Identifiers: Orphanet 64, MedGen C0268425, MONDO:0008763, OMIM 203800.

Allele frequency attached by ClinVar (database versions not stated): gnomAD exomes below 0.00001.
gnomAD v4.1: 1 of 1,614,036 alleles (0.000062%); highest among the groups gnomAD compares: Admixed American, 0.0017%; no homozygotes.

Submissions (2):

Natera, Inc.
Classification: Pathogenic for Alstrom syndrome. Last evaluated: 2025-02-19. Review status: criteria provided, single submitter. Criteria: Natera Variant Classification Schema (03/2026). Collection method: clinical testing. Allele origin: germline.
Comment: The c.1847C>G variant in ALMS1 is a nonsense variant predicted to introduce a stop codon at amino acid 616. This variant is expected to result in nonsense mediated decay, truncation, or a dysfunctional protein product. This variant is rare in the general population with a frequency below the threshold expected for the associated phenotype(s). This variant has been observed in one or more individuals affected with the associated recessive disease, as either homozygous or compound heterozygous with a second variant (PMID: 22876109). Given the available evidence, this variant is classified as Pathogenic.

Labcorp Genetics (formerly Invitae), Labcorp
Classification: Pathogenic for Alstrom syndrome. Last evaluated: 2023-11-27. Review status: criteria provided, single submitter. Criteria: Invitae Variant Classification Sherloc (09022015). Collection method: clinical testing. Allele origin: germline.
Comment: This sequence change creates a premature translational stop signal (p.Ser616*) in the ALMS1 gene. It is expected to result in an absent or disrupted protein product. Loss-of-function variants in ALMS1 are known to be pathogenic (PMID: 17594715). This variant is not present in population databases (gnomAD no frequency). This premature translational stop signal has been observed in individual(s) with clinical features of Alstrom syndrome (PMID: 22876109). In at least one individual the data is consistent with being in trans (on the opposite chromosome) from a pathogenic variant. ClinVar contains an entry for this variant (Variation ID: 1456038). For these reasons, this variant has been classified as Pathogenic.

Literature cited by the submitters: PubMed 22876109 (cited by Natera, Inc. and Labcorp Genetics (formerly Invitae), Labcorp); PubMed 17594715 (cited by Labcorp Genetics (formerly Invitae), Labcorp).